The following is an entry in ClinVar:

ClinVar aggregate classification (germline): Benign. Review status: criteria provided, multiple submitters, no conflicts (2 of 4 stars). 3 submissions from 3 submitters: Benign (2). 1 of the submissions does not count toward it. Last evaluated 2019-02-02.

Allele frequency attached by ClinVar (database versions not stated): gnomAD 0.11315; TOPMed 0.11348; 1000 Genomes Project 30x 0.13741; 1000 Genomes Project 0.14117.
gnomAD v4.1: 154,887 of 1,605,564 alleles (9.6%); highest among the groups gnomAD compares: East Asian, 17%; 8,244 homozygotes.

Submissions (3):

GeneDx
Classification: Benign. Last evaluated: 2019-02-02. Review status: criteria provided, single submitter. Criteria: GeneDx Variant Classification Process June 2021. Collection method: clinical testing. Allele origin: germline. Affected: yes.

Breakthrough Genomics
Classification: Benign. Review status: criteria provided, single submitter. Criteria: ACMG Guidelines, 2015. Collection method: not provided. Allele origin: germline. Inheritance: Autosomal recessive inheritance. Affected: yes.

ITMI
No classification provided. Condition: AllHighlyPenetrant. Last evaluated: 2013-09-19. Review status: no classification provided. Collection method: reference population. Allele origin: germline. Not counted in ClinVar's aggregate classification.
Comment: Please see associated publication for description of ethnicities

Literature cited by the submitters: PubMed 24728327 (cited by ITMI).

NM_000135.4(FANCA):c.3934+59G>T

Genes: FANCA (FA complementation group A; minus strand), ZNF276 (zinc finger protein 276; plus strand). Cytogenetic location: 16q24.3.
Variant type: single nucleotide variant.
Coding change: c.3934+59G>T on transcript NM_000135.4 (MANE Select); 59 bases into the intron after coding-DNA position 3934, G replaced by T.
Molecular consequence: intron variant. On other transcripts: 3 prime UTR variant (2), non-coding transcript variant (4).
Genome position (GRCh38, 1-based): chr16:89,739,935, C>A on the plus strand (G>T on the coding strand, the complement: FANCA is on the minus strand). VCF-style: chr16-89739935-C-A. GRCh37 (hg19) VCF-style: chr16-89806343-C-A.
Other names: c.*1689C>A (NM_001113525.2, NM_152287.4); c.3934+59G>T (NM_001286167.3).
Identifiers: ClinVar variation 135540 (VCV000135540.6), dbSNP rs11647746, ClinGen allele CA162997.